The following is an entry in ClinVar:

NM_002691.4(POLD1):c.3120+6_3120+21dup

Gene: POLD1 (DNA polymerase delta 1, catalytic subunit; plus strand). Cytogenetic location: 19q13.33.
Variant type: Duplication.
Coding change: c.3120+6_3120+21dup on transcript NM_002691.4 (MANE Select); bases 6 to 21 of the intron after coding-DNA position 3120, 16 bases duplicated (AGGGCCGGGAGGTGAG).
Molecular consequence: splice donor variant.
Genome position (GRCh38, 1-based): chr19:50,417,103-50,417,118, AGGGCCGGGAGGTGAG duplicated; duplicating any 16 consecutive bases within chr19:50,417,094-50,417,118 gives the same sequence; the c. name uses the placement nearest the transcript's 3' end. VCF-style (leftmost placement, unchanged base first): chr19-50417093-A-AGGAGGTGAGAGGGCCG. GRCh37 (hg19) VCF-style: chr19-50920350-A-AGGAGGTGAGAGGGCCG.
Other names: c.3120+6_3120+21dup (NM_001256849.1); c.3198+6_3198+21dup (NM_001308632.1).
Identifiers: ClinVar variation 1360023 (VCV001360023.8), dbSNP rs1064792944, ClinGen allele CA2573156772.

ClinVar aggregate classification (germline): Uncertain significance (1 of 4 stars; one submission).

Conditions:
POLD1-related polyposis and colorectal cancer syndrome (CRCS10). Also called: Colorectal cancer, susceptibility to, 10; Colorectal cancer 10; COLORECTAL CANCER, SUSCEPTIBILITY TO, ON CHROMOSOME 19q. Identifiers: Orphanet 220460, MedGen C2675481, MONDO:0012953, OMIM 612591.

Submission:

Labcorp Genetics (formerly Invitae), Labcorp
Classification: Uncertain significance for POLD1-related polyposis and colorectal cancer syndrome. Last evaluated: 2021-01-04. Review status: criteria provided, single submitter. Criteria: Invitae Variant Classification Sherloc (09022015). Collection method: clinical testing. Allele origin: germline.
Comment: This variant is not present in population databases (ExAC no frequency). This sequence change falls in intron 25 of the POLD1 gene. It does not directly change the encoded amino acid sequence of the POLD1 protein. This variant has not been reported in the literature in individuals with POLD1-related conditions. Algorithms developed to predict the effect of sequence changes on RNA splicing suggest that this variant may create or strengthen a splice site, but this prediction has not been confirmed by published transcriptional studies. In summary, the available evidence is currently insufficient to determine the role of this variant in disease. Therefore, it has been classified as a Variant of Uncertain Significance.